The following is an entry in ClinVar:

ClinVar aggregate classification (germline): Pathogenic/Likely pathogenic. Review status: criteria provided, multiple submitters, no conflicts (2 of 4 stars). 3 submissions from 3 submitters: Pathogenic (1); Likely pathogenic (1). 1 of the submissions does not count toward it. Last evaluated 2024-06-11.

Conditions:
Tay-Sachs disease (TSD). Also called: HEXA DEFICIENCY; Hexosaminidase A Deficiency; HEXA Disorders; GM2 gangliosidosis, type 1; Hexosaminidase alpha-subunit deficiency (variant B); Sphingolipidosis, Tay-Sachs. Identifiers: Orphanet 845, MedGen C0039373, MONDO:0010100, OMIM 272800.

Submissions (3):

Women's Health and Genetics/Laboratory Corporation of America, LabCorp
Classification: Likely pathogenic for Tay-Sachs disease. Last evaluated: 2024-06-11. Review status: criteria provided, single submitter. Criteria: LabCorp Variant Classification Summary - May 2015. Collection method: clinical testing. Allele origin: germline.
Comment: Variant summary: HEXA c.629C>T (p.Ser210Phe) results in a non-conservative amino acid change in the encoded protein sequence. Five of five in-silico tools predict a damaging effect of the variant on protein function. The variant was absent in 251482 control chromosomes (gnomAD). c.629C>T has been reported in the literature in individuals affected with Tay-Sachs Disease (Akli_1991). These data indicate that the variant is likely to be associated with disease. To our knowledge, no experimental evidence demonstrating an impact on protein function has been reported. The following publication has been ascertained in the context of this evaluation (PMID: 1837283). ClinVar contains an entry for this variant (Variation ID: 3908). Based on the evidence outlined above, the variant was classified as likely pathogenic.

Labcorp Genetics (formerly Invitae), Labcorp
Classification: Pathogenic for Tay-Sachs disease. Last evaluated: 2024-03-20. Review status: criteria provided, single submitter. Criteria: Invitae Variant Classification Sherloc (09022015). Collection method: clinical testing. Allele origin: germline.
Comment: This sequence change replaces serine, which is neutral and polar, with phenylalanine, which is neutral and non-polar, at codon 210 of the HEXA protein (p.Ser210Phe). This variant is not present in population databases (gnomAD no frequency). This missense change has been observed in individual(s) with hexosaminidase A deficiency (PMID: 1837283). ClinVar contains an entry for this variant (Variation ID: 3908). Advanced modeling of protein sequence and biophysical properties (such as structural, functional, and spatial information, amino acid conservation, physicochemical variation, residue mobility, and thermodynamic stability) performed at Invitae indicates that this missense variant is expected to disrupt HEXA protein function with a positive predictive value of 95%. For these reasons, this variant has been classified as Pathogenic.

OMIM
Classification: Pathogenic for TAY-SACHS DISEASE. Last evaluated: 1991-09-01. Review status: no assertion criteria provided. Collection method: literature only. Allele origin: germline. Not counted in ClinVar's aggregate classification.

Literature cited by the submitters: PubMed 1837283 (cited by 3 submitters).

NM_000520.6(HEXA):c.629C>T (p.Ser210Phe)

Gene: HEXA (hexosaminidase subunit alpha; minus strand). Cytogenetic location: 15q23.
Variant type: single nucleotide variant.
Coding change: c.629C>T on transcript NM_000520.6 (MANE Select); coding-DNA position 629, C replaced by T.
Protein change: p.Ser210Phe; replaces serine 210 with phenylalanine.
Molecular consequence: missense variant. On other transcripts: non-coding transcript variant (1).
Genome position (GRCh38, 1-based): chr15:72,351,176, G>A on the plus strand (C>T on the coding strand, the complement: HEXA is on the minus strand). VCF-style: chr15-72351176-G-A. GRCh37 (hg19) VCF-style: chr15-72643517-G-A.
Other names: c.662C>T, p.Ser221Phe (NM_001318825.2); short protein forms S210F, S221F.
Identifiers: ClinVar variation 3908 (VCV000003908.177), dbSNP rs121907961, ClinGen allele CA252918.